The following is an entry in ClinVar:

GRCh37/hg19 15q22.2(chr15:60688155-60888244)x1

Genes: ICE2 (interactor of little elongation complex ELL subunit 2; minus strand), ANXA2 (annexin A2; minus strand), RORA (RAR related orphan receptor A; minus strand). Cytogenetic location: 15q22.2.
Variant type: copy number loss.
Change: copy number 1 (one copy instead of two) of chr15:60,688,155-60,888,244 (200.1 kb, GRCh37 coordinates, 1-based), cytogenetic band 15q22.2.
Identifiers: ClinVar variation 2685518 (VCV002685518.1).

ClinVar aggregate classification (germline): Likely pathogenic (1 of 4 stars; one submission).

Submission:

Quest Diagnostics Nichols Institute San Juan Capistrano
Classification: Likely pathogenic. Last evaluated: 2023-01-26. Review status: criteria provided, single submitter. Criteria: ACMG/ClinGen CNV Guidelines, 2019. Collection method: clinical testing. Allele origin: unknown.
Comment: This loss contains three protein-coding genes. Heterozygous loss-of-function variants of RORA are associated with autosomal dominant intellectual developmental disorder with or without epilepsy or cerebellar ataxia (IDDECA; OMIM 618060, Yamamoto 2014, Cherot 2018, Demos 2019, Guissart 2018). There are no similar copy number losses of this region in the general populations of the Database of Genomic Variants. Thus, based on current medical literature, this copy number variant (CNV) is classified as likely pathogenic. References: Cherot et al., Clin Genet. 2018 Mar;93(3):567-576. PMID: 28708303 Demos et al., Front Neurol. 2019 May 21;10:434. PMID: 31164858 Guissart et al., Am J Hum Genet. 2018 May 3;102(5):744-759. PMID: 29656859 Yamamoto et al., Eur J Med Genet. 2014 Mar;57(4):163-8. PMID: 245250